The following is an entry in ClinVar:

NM_014727.3(KMT2B):c.4003+4G>A

Gene: KMT2B (lysine methyltransferase 2B; plus strand). Cytogenetic location: 19q13.12.
Variant type: single nucleotide variant.
Coding change: c.4003+4G>A on transcript NM_014727.3 (MANE Select); 4 bases into the intron after coding-DNA position 4003, G replaced by A.
Molecular consequence: intron variant.
Genome position (GRCh38, 1-based): chr19:35,726,357, G>A. VCF-style: chr19-35726357-G-A. GRCh37 (hg19) VCF-style: chr19-36217258-G-A.
Identifiers: ClinVar variation 4778654 (VCV004778654.1).

ClinVar aggregate classification (germline): Uncertain significance (1 of 4 stars; one submission).

gnomAD v4.1: 1 of 1,598,380 alleles (0.000063%); highest among the groups gnomAD compares: Admixed American, 0.0017%; no homozygotes.

Submission:

Labcorp Genetics (formerly Invitae), Labcorp
Classification: Uncertain significance. Last evaluated: 2025-01-31. Review status: criteria provided, single submitter. Criteria: Invitae Variant Classification Sherloc (09022015). Collection method: clinical testing. Allele origin: germline.
Comment: This sequence change falls in intron 14 of the KMT2B gene. It does not directly change the encoded amino acid sequence of the KMT2B protein. It affects a nucleotide within the consensus splice site. This variant is present in population databases (no rsID available, gnomAD 0.003%). This variant has not been reported in the literature in individuals affected with KMT2B-related conditions. Variants that disrupt the consensus splice site are a relatively common cause of aberrant splicing (PMID: 17576681, 9536098). Algorithms developed to predict the effect of sequence changes on RNA splicing suggest that this variant is not likely to affect RNA splicing. In summary, the available evidence is currently insufficient to determine the role of this variant in disease. Therefore, it has been classified as a Variant of Uncertain Significance.

Literature cited by the submitters: PubMed 17576681; PubMed 9536098.